The following is an entry in ClinVar:

NM_001142800.2(EYS):c.868T>C (p.Phe290Leu)

Gene: EYS (EGF-like photoreceptor maintenance factor; minus strand). Cytogenetic location: 6q12.
Variant type: single nucleotide variant.
Coding change: c.868T>C on transcript NM_001142800.2 (MANE Select); coding-DNA position 868, T replaced by C.
Protein change: p.Phe290Leu; replaces phenylalanine 290 with leucine.
Molecular consequence: missense variant.
Genome position (GRCh38, 1-based): chr6:65,405,362, A>G on the plus strand (T>C on the coding strand, the complement: EYS is on the minus strand). VCF-style: chr6-65405362-A-G. GRCh37 (hg19) VCF-style: chr6-66115255-A-G.
Other names: c.868T>C, p.Phe290Leu (NM_001142801.2, NM_001292009.2, NM_198283.2); short protein forms F290L.
Identifiers: ClinVar variation 966662 (VCV000966662.6), dbSNP rs373557623, ClinGen allele CA3877936.
Genomic context (GRCh38, chr6:65,405,362, plus strand): 5'-GGCAAATTCCTCTTTTCCAAAAAAGCAGAGAAACACAAGGTTTTGCTGACACCTCACAGA[A>G]TGGACCTTAAAAAAATCACACACAAGAAAAAAAAAGAAAAGGAAGGAAGGAAAGAAGAAA-3'
Protein context (NP_001136272.1, residues 280-300): CECDEQFSGP[Phe290Leu]CEVSAKPCVS

ClinVar aggregate classification (germline): Uncertain significance. Review status: criteria provided, multiple submitters, no conflicts (2 of 4 stars). 4 submissions from 4 submitters: Uncertain significance (3). 1 of the submissions does not count toward it. Last evaluated 2026-06-08.

Conditions:
Autosomal recessive retinitis pigmentosa. Identifiers: MedGen C0339526.

Allele frequency attached by ClinVar (database versions not stated): gnomAD exomes 0.00001 and 0.00007; gnomAD 0.00003; ExAC 0.00006; TOPMed 0.00006; 1000 Genomes Project 0.00020; 1000 Genomes Project 30x 0.00031.
gnomAD v4.1: 31 of 1,604,978 alleles (0.0019%); highest among the groups gnomAD compares: East Asian, 0.045%; no homozygotes.

Submissions (4):

Women's Health and Genetics/Laboratory Corporation of America, LabCorp
Classification: Uncertain significance. Last evaluated: 2026-06-08. Review status: criteria provided, single submitter. Criteria: LabCorp Variant Classification Summary - May 2015. Collection method: clinical testing. Allele origin: germline.
Comment: Variant summary: EYS c.868T>C (p.Phe290Leu) results in a non-conservative amino acid change in the encoded protein sequence. Algorithms developed to predict the effect of missense changes on protein structure and function are either unavailable or do not agree on the potential impact of this missense change. The variant allele was found at a frequency of 6.6e-05 in 242714 control chromosomes (gnomAD). This frequency is not significantly higher than estimated for disease-causing variants in EYS, allowing no conclusion about variant significance. c.868T>C has been observed in individuals affected with Retinitis Pigmentosa (Xu_2014, Kominami_2025). These reports do not provide unequivocal conclusions about association of the variant with disease. To our knowledge, no experimental evidence demonstrating an impact on protein function has been reported. The following publications have been ascertained in the context of this evaluation (PMID: 39970144, 24938718). ClinVar contains an entry for this variant (Variation ID: 966662). Based on the evidence outlined above, the variant was classified as uncertain significance.

Blueprint Genetics
Classification: Uncertain significance. Last evaluated: 2024-10-21. Review status: criteria provided, single submitter. Criteria: ACMG Guidelines, 2015. Collection method: clinical testing. Allele origin: germline.

Labcorp Genetics (formerly Invitae), Labcorp
Classification: Uncertain significance. Last evaluated: 2022-07-18. Review status: criteria provided, single submitter. Criteria: Invitae Variant Classification Sherloc (09022015). Collection method: clinical testing. Allele origin: germline.
Comment: This sequence change replaces phenylalanine, which is neutral and non-polar, with leucine, which is neutral and non-polar, at codon 290 of the EYS protein (p.Phe290Leu). This variant is present in population databases (rs373557623, gnomAD 0.1%). This missense change has been observed in individuals with retinitis pigmentosa (PMID: 24938718). ClinVar contains an entry for this variant (Variation ID: 966662). Algorithms developed to predict the effect of missense changes on protein structure and function output the following: SIFT: "Tolerated"; PolyPhen-2: "Benign"; Align-GVGD: "Class C0". The leucine amino acid residue is found in multiple mammalian species, which suggests that this missense change does not adversely affect protein function. In summary, the available evidence is currently insufficient to determine the role of this variant in disease. Therefore, it has been classified as a Variant of Uncertain Significance.

Natera, Inc.
Classification: Uncertain significance for Autosomal recessive retinitis pigmentosa. Last evaluated: 2020-07-16. Review status: no assertion criteria provided. Collection method: clinical testing. Allele origin: germline. Not counted in ClinVar's aggregate classification.

Literature cited by the submitters: PubMed 24938718 (cited by Women's Health and Genetics/Laboratory Corporation of America, LabCorp and Labcorp Genetics (formerly Invitae), Labcorp); PubMed 39970144 (cited by Women's Health and Genetics/Laboratory Corporation of America, LabCorp).